The following is an entry in ClinVar:

ClinVar aggregate classification (germline): Pathogenic/Likely pathogenic. Review status: criteria provided, multiple submitters, no conflicts (2 of 4 stars). 4 submissions from 4 submitters: Pathogenic (1); Likely pathogenic (1). 2 of the submissions do not count toward it. Last evaluated 2023-05-26.

Conditions:
Cystic fibrosis (CF). Also called: MUCOVISCIDOSIS. Identifiers: Orphanet 586, MedGen C0010674, MONDO:0009061, OMIM 219700. Disease mechanism: loss of function.

Submissions (4):

Labcorp Genetics (formerly Invitae), Labcorp
Classification: Pathogenic for Cystic fibrosis. Last evaluated: 2023-05-26. Review status: criteria provided, single submitter. Criteria: Invitae Variant Classification Sherloc (09022015). Collection method: clinical testing. Allele origin: germline.
Comment: For these reasons, this variant has been classified as Pathogenic. This variant disrupts a region of the CFTR protein in which other variant(s) (p.Ser1455*) have been determined to be pathogenic (PMID: 17662673, 23276700, 24388274, 25304080, 27728908). This suggests that this is a clinically significant region of the protein, and that variants that disrupt it are likely to be disease-causing. ClinVar contains an entry for this variant (Variation ID: 371349). A different variant (c.4272C>A) giving rise to the same protein effect has been determined to be pathogenic (Invitae). This suggests that this variant is also likely to be causative of disease. This variant is not present in population databases (gnomAD no frequency). This sequence change creates a premature translational stop signal (p.Tyr1424*) in the CFTR gene. While this is not anticipated to result in nonsense mediated decay, it is expected to disrupt the last 57 amino acid(s) of the CFTR protein.

Women's Health and Genetics/Laboratory Corporation of America, LabCorp
Classification: Likely pathogenic. Last evaluated: 2018-11-05. Review status: criteria provided, single submitter. Criteria: LabCorp Variant Classification Summary - May 2015. Collection method: clinical testing. Allele origin: germline.
Comment: Variant summary: CFTR c.4272C>G (p.Tyr1424X) results in a premature termination codon, predicted to cause a truncation of the encoded protein or absence of the protein due to nonsense mediated decay, which are commonly known mechanisms for disease. Truncations downstream of this position have been classified as pathogenic by our laboratory (e.g., p.Ser1455X and p.Gln1476X). The variant was absent in 245554 control chromosomes. c.4272C>G has been reported in the literature in individuals with deltaF508 on the alternate allele and were affected with mild Cystic Fibrosis and pancreatic sufficiency, suggesting the variant is a mild causative mutation. To our knowledge, no experimental evidence demonstrating an impact on protein function has been reported. One clinical diagnostic laboratory has submitted clinical-significance assessments for this variant to ClinVar after 2014 without evidence for independent evaluation and classified the variant as likely pathogenic. Based on the evidence outlined above, the variant was classified as likely pathogenic.

Natera, Inc.
Classification: Likely pathogenic for Cystic Fibrosis. Last evaluated: 2020-09-16. Review status: no assertion criteria provided. Collection method: clinical testing. Allele origin: germline. Not counted in ClinVar's aggregate classification.

Counsyl
Classification: Likely pathogenic for Cystic fibrosis. Last evaluated: 2016-09-01. Review status: no assertion criteria provided. Collection method: clinical testing. Allele origin: unknown. Not counted in ClinVar's aggregate classification.

Literature cited by the submitters: PubMed 17662673 (cited by Labcorp Genetics (formerly Invitae), Labcorp); PubMed 23276700 (cited by Labcorp Genetics (formerly Invitae), Labcorp); PubMed 24388274 (cited by Labcorp Genetics (formerly Invitae), Labcorp); PubMed 25304080 (cited by Labcorp Genetics (formerly Invitae), Labcorp); PubMed 27728908 (cited by Labcorp Genetics (formerly Invitae), Labcorp); PubMed 26385858 (cited by Women's Health and Genetics/Laboratory Corporation of America, LabCorp).

NM_000492.4(CFTR):c.4272C>G (p.Tyr1424Ter)

Genes: CFTR (CF transmembrane conductance regulator; plus strand), LOC111674477 (CFTR intron 23 enhancer; plus strand). Cytogenetic location: 7q31.2.
Variant type: single nucleotide variant.
Coding change: c.4272C>G on transcript NM_000492.4 (MANE Select); coding-DNA position 4272, C replaced by G.
Protein change: p.Tyr1424Ter; replaces tyrosine 1424 with a stop codon.
Molecular consequence: nonsense.
Genome position (GRCh38, 1-based): chr7:117,666,937, C>G. VCF-style: chr7-117666937-C-G. GRCh37 (hg19) VCF-style: chr7-117306991-C-G.
Other names: short protein forms Y1424*.
Identifiers: ClinVar variation 371349 (VCV000371349.8), dbSNP rs1800135, ClinGen allele CA16041142.
Genomic context (GRCh38, chr7:117,666,937, plus strand): 5'-TCCCAGATCTCACTAACAGCCATTTCCCTAGGTCATAGAAGAGAACAAAGTGCGGCAGTA[C>G]GATTCCATCCAGAAACTGCTGAACGAGAGGAGCCTCTTCCGGCAAGCCATCAGCCCCTCC-3'